The following is an entry in ClinVar:

ClinVar aggregate classification (germline): Uncertain significance. Review status: criteria provided, multiple submitters, no conflicts (2 of 4 stars). 2 submissions from 2 submitters: Uncertain significance (2). Last evaluated 2025-07-23.

Conditions:
Chédiak-Higashi syndrome (CHS). Also called: Chediak-Higashi Syndrome. Identifiers: Orphanet 167, MedGen C0007965, MONDO:0008963, OMIM 214500.

Allele frequency attached by ClinVar (database versions not stated): ExAC 0.00001; gnomAD 0.00001.
gnomAD v4.1: 34 of 1,613,832 alleles (0.0021%); highest among the groups gnomAD compares: Non-Finnish European, 0.0027%; no homozygotes.

Submissions (2):

Women's Health and Genetics/Laboratory Corporation of America, LabCorp
Classification: Uncertain significance. Last evaluated: 2025-07-23. Review status: criteria provided, single submitter. Criteria: LabCorp Variant Classification Summary - May 2015. Collection method: clinical testing. Allele origin: germline.
Comment: Variant summary: LYST c.10417G>A (p.Val3473Met) results in a conservative amino acid change in the encoded protein sequence. Algorithms developed to predict the effect of missense changes on protein structure and function are either unavailable or do not agree on the potential impact of this missense change. The variant allele was found at a frequency of 1.2e-05 in 251248 control chromosomes. The available data on variant occurrences in the general population are insufficient to allow any conclusion about variant significance. To our knowledge, no occurrence of c.10417G>A in individuals affected with Chediak-Higashi Syndrome and no experimental evidence demonstrating its impact on protein function have been reported. ClinVar contains an entry for this variant (Variation ID: 2079835). Based on the evidence outlined above, the variant was classified as uncertain significance.

Labcorp Genetics (formerly Invitae), Labcorp
Classification: Uncertain significance for Chédiak-Higashi syndrome. Last evaluated: 2022-08-04. Review status: criteria provided, single submitter. Criteria: Invitae Variant Classification Sherloc (09022015). Collection method: clinical testing. Allele origin: germline.
Comment: This sequence change replaces valine, which is neutral and non-polar, with methionine, which is neutral and non-polar, at codon 3473 of the LYST protein (p.Val3473Met). This variant is present in population databases (rs754218446, gnomAD 0.003%). This variant has not been reported in the literature in individuals affected with LYST-related conditions. Algorithms developed to predict the effect of missense changes on protein structure and function are either unavailable or do not agree on the potential impact of this missense change (SIFT: "Deleterious"; PolyPhen-2: "Probably Damaging"; Align-GVGD: "Class C0"). In summary, the available evidence is currently insufficient to determine the role of this variant in disease. Therefore, it has been classified as a Variant of Uncertain Significance.

NM_000081.4(LYST):c.10417G>A (p.Val3473Met)

Gene: LYST (lysosomal trafficking regulator; minus strand). Cytogenetic location: 1q42.3.
Variant type: single nucleotide variant.
Coding change: c.10417G>A on transcript NM_000081.4 (MANE Select); coding-DNA position 10417, G replaced by A.
Protein change: p.Val3473Met; replaces valine 3473 with methionine.
Molecular consequence: missense variant.
Genome position (GRCh38, 1-based): chr1:235,697,230, C>T on the plus strand (G>A on the coding strand, the complement: LYST is on the minus strand). VCF-style: chr1-235697230-C-T. GRCh37 (hg19) VCF-style: chr1-235860530-C-T.
Other names: c.10417G>A, p.Val3473Met (NM_001301365.1); short protein forms V3473M.
Identifiers: ClinVar variation 2079835 (VCV002079835.2), dbSNP rs754218446, ClinGen allele CA1465370.